The following is an entry in ClinVar:

NM_014236.4(GNPAT):c.660G>T (p.Trp220Cys)

Gene: GNPAT (glyceronephosphate O-acyltransferase; plus strand). Cytogenetic location: 1q42.2.
Variant type: single nucleotide variant.
Coding change: c.660G>T on transcript NM_014236.4 (MANE Select); coding-DNA position 660, G replaced by T.
Protein change: p.Trp220Cys; replaces tryptophan 220 with cysteine.
Molecular consequence: missense variant.
Genome position (GRCh38, 1-based): chr1:231,265,384, G>T. VCF-style: chr1-231265384-G-T. GRCh37 (hg19) VCF-style: chr1-231401130-G-T.
Other names: c.477G>T, p.Trp159Cys (NM_001316350.2); short protein forms W220C, W159C.
Identifiers: ClinVar variation 1957679 (VCV001957679.5), dbSNP rs2527022301, ClinGen allele CA345233352.

ClinVar aggregate classification (germline): Uncertain significance (1 of 4 stars; one submission).

Submission:

Labcorp Genetics (formerly Invitae), Labcorp
Classification: Uncertain significance. Last evaluated: 2022-06-20. Review status: criteria provided, single submitter. Criteria: Invitae Variant Classification Sherloc (09022015). Collection method: clinical testing. Allele origin: germline.
Comment: In summary, the available evidence is currently insufficient to determine the role of this variant in disease. Therefore, it has been classified as a Variant of Uncertain Significance. Algorithms developed to predict the effect of missense changes on protein structure and function (SIFT, PolyPhen-2, Align-GVGD) all suggest that this variant is likely to be disruptive. This variant has not been reported in the literature in individuals affected with GNPAT-related conditions. This variant is not present in population databases (gnomAD no frequency). This sequence change replaces tryptophan, which is neutral and slightly polar, with cysteine, which is neutral and slightly polar, at codon 220 of the GNPAT protein (p.Trp220Cys).